The following is an entry in ClinVar:

NM_003872.3(NRP2):c.1560T>C (p.Phe520=)

Gene: NRP2 (neuropilin 2; plus strand). Cytogenetic location: 2q33.3.
Variant type: single nucleotide variant.
Coding change: c.1560T>C on transcript NM_003872.3 (MANE Select); coding-DNA position 1560, T replaced by C.
Protein change: p.Phe520=; no amino-acid change (phenylalanine 520 retained).
Molecular consequence: synonymous variant.
Genome position (GRCh38, 1-based): chr2:205,743,471, T>C. VCF-style: chr2-205743471-T-C. GRCh37 (hg19) VCF-style: chr2-206608195-T-C.
Other names: c.1560T>C, p.Phe520= (NM_018534.4, NM_201264.2, NM_201266.2 and 2 more transcripts).
Identifiers: ClinVar variation 3348069 (VCV003348069.1).

ClinVar aggregate classification (germline): Likely benign (0 of 4 stars; one submission).

Conditions:
NRP2-related disorder. Also called: NRP2-related condition.

Submission:

PreventionGenetics, part of Exact Sciences
Classification: Likely benign for NRP2-related condition. Last evaluated: 2023-08-14. Review status: no assertion criteria provided. Collection method: clinical testing. Allele origin: germline.
Comment: This variant is classified as likely benign based on ACMG/AMP sequence variant interpretation guidelines (Richards et al. 2015 PMID: 25741868, with internal and published modifications).